The following is an entry in ClinVar:

ClinVar aggregate classification (germline): Uncertain significance (1 of 4 stars; one submission).

Conditions:
FGFR3-related chondrodysplasia. Identifiers: Orphanet 93420, MedGen C5681604, MONDO:0019685.

Submission:

Genomenon, Inc
Classification: Uncertain significance for FGFR3-related chondrodysplasia. Last evaluated: 2026-06-23. Review status: criteria provided, single submitter. Criteria: Genomenon Sequence Variant Interpretation Standards - Updated. Collection method: curation. Allele origin: germline. Affected: no.
Comment: FGFR3 p.Ile538Phe (c.1612A>T) is a missense variant that changes the amino acid at codon 538 from Isoleucine to Phenylalanine. To our knowledge, this variant has not been reported in patients affected with an FGFR3-related disorder in the published literature. Functional studies have been reported (PMID:26992226). This variant is located in a mutational hotspot and/or important functional domain. It is absent or not present at a significant frequency in gnomAD. In silico models predict that this variant is possibly or probably damaging. In conclusion, we classify FGFR3 p.Ile538Phe (c.1612A>T) as a variant of uncertain significance.

Literature cited by the submitters: PubMed 29478821; PubMed 26992226; PubMed 35294247; PubMed 30545934.

NM_000142.5(FGFR3):c.1612A>T (p.Ile538Phe)

Gene: FGFR3 (fibroblast growth factor receptor 3; plus strand). Cytogenetic location: 4p16.3.
Variant type: single nucleotide variant.
Coding change: c.1612A>T on transcript NM_000142.5 (MANE Select); coding-DNA position 1612, A replaced by T.
Protein change: p.Ile538Phe; replaces isoleucine 538 with phenylalanine.
Molecular consequence: missense variant. On other transcripts: non-coding transcript variant (1).
Genome position (GRCh38, 1-based): chr4:1,805,636, A>T. VCF-style: chr4-1805636-A-T. GRCh37 (hg19) VCF-style: chr4-1807363-A-T.
Other names: c.1618A>T, p.Ile540Phe (NM_001163213.2); c.1615A>T, p.Ile539Phe (NM_001354809.2, NM_001354810.2); c.1276A>T, p.Ile426Phe (NM_022965.4); short protein forms I426F, I538F, I539F, I540F.
Identifiers: ClinVar variation 4857809 (VCV004857809.1).
Genomic context (GRCh38, chr4:1,805,636, plus strand): 5'-GACCTGTCGGACCTGGTGTCTGAGATGGAGATGATGAAGATGATCGGGAAACACAAAAAC[A>T]TCATCAACCTGCTGGGCGCCTGCACGCAGGGCGGTAGGTGCGGTAGCGGCGGTGGTGCCG-3'
Protein context (NP_000133.1, residues 528-548): MMKMIGKHKN[Ile538Phe]INLLGACTQG